The following is an entry in ClinVar:

NM_032242.4(PLXNA1):c.2569G>A (p.Gly857Ser)

Gene: PLXNA1 (plexin A1; plus strand). Cytogenetic location: 3q21.3.
Variant type: single nucleotide variant.
Coding change: c.2569G>A on transcript NM_032242.4 (MANE Select); coding-DNA position 2569, G replaced by A.
Protein change: p.Gly857Ser; replaces glycine 857 with serine.
Molecular consequence: missense variant.
Genome position (GRCh38, 1-based): chr3:127,014,340, G>A. VCF-style: chr3-127014340-G-A. GRCh37 (hg19) VCF-style: chr3-126733183-G-A.
Other names: c.2569G>A (NM_032242.3); short protein forms G857S.
Identifiers: ClinVar variation 2418129 (VCV002418129.8), dbSNP rs376939175, ClinGen allele CA2593666.

ClinVar aggregate classification (germline): Uncertain significance. Review status: criteria provided, multiple submitters, no conflicts (2 of 4 stars). 2 submissions from 2 submitters: Uncertain significance (2). Last evaluated 2025-09-17.

Conditions:
PLXNA1-related disorder. Also called: PLXNA1-related condition.

Allele frequency attached by ClinVar (database versions not stated): TOPMed 0.00006; ExAC 0.00007; gnomAD 0.00007; gnomAD exomes 0.00010.
gnomAD v4.1: 162 of 1,595,338 alleles (0.01%); highest among the groups gnomAD compares: East Asian, 0.02%; no homozygotes.

Submissions (2):

PreventionGenetics, part of Exact Sciences
Classification: Uncertain significance for PLXNA1-related condition. Last evaluated: 2025-09-17. Review status: criteria provided, single submitter. Criteria: ACMG Guidelines, 2015. Collection method: clinical testing. Allele origin: germline.
Comment: The PLXNA1 c.2569G>A variant is predicted to result in the amino acid substitution p.Gly857Ser. To our knowledge, this variant has not been reported in the literature in individuals with PLXNA1-related conditions. This variant is reported in 0.049% of alleles in individuals of East Asian descent in gnomAD. At this time, the clinical significance of this variant is uncertain due to the absence of conclusive functional and genetic evidence.

Labcorp Genetics (formerly Invitae), Labcorp
Classification: Uncertain significance. Last evaluated: 2022-10-12. Review status: criteria provided, single submitter. Criteria: Invitae Variant Classification Sherloc (09022015). Collection method: clinical testing. Allele origin: germline.
Comment: In summary, the available evidence is currently insufficient to determine the role of this variant in disease. Therefore, it has been classified as a Variant of Uncertain Significance. This sequence change replaces glycine, which is neutral and non-polar, with serine, which is neutral and polar, at codon 857 of the PLXNA1 protein (p.Gly857Ser). This variant is present in population databases (rs376939175, gnomAD 0.05%). This variant has not been reported in the literature in individuals affected with PLXNA1-related conditions. Algorithms developed to predict the effect of missense changes on protein structure and function are either unavailable or do not agree on the potential impact of this missense change (SIFT: "Tolerated"; PolyPhen-2: "Possibly Damaging"; Align-GVGD: "Class C0").